The following is an entry in ClinVar:

ClinVar aggregate classification (germline): Conflicting classifications of pathogenicity. Review status: criteria provided, conflicting classifications (1 of 4 stars). 3 submissions from 3 submitters: Pathogenic (1); Uncertain significance (2). Last evaluated 2022-08-09.

Conditions:
Danon disease. Also called: ANTOPOL DISEASE; Glycogen Storage Disease Type IIb; PSEUDOGLYCOGENOSIS II; GSD IIb; LYSOSOMAL GLYCOGEN STORAGE DISEASE WITHOUT ACID MALTASE DEFICIENCY. Identifiers: Orphanet 34587, MedGen C0878677, MONDO:0010281, OMIM 300257.

Submissions (3):

Labcorp Genetics (formerly Invitae), Labcorp
Classification: Uncertain significance for Danon disease. Last evaluated: 2022-08-09. Review status: criteria provided, single submitter. Criteria: Invitae Variant Classification Sherloc (09022015). Collection method: clinical testing. Allele origin: germline.
Comment: In summary, the available evidence is currently insufficient to determine the role of this variant in disease. Therefore, it has been classified as a Variant of Uncertain Significance. Variants that disrupt the consensus splice site are a relatively common cause of aberrant splicing (PMID: 17576681, 9536098). Algorithms developed to predict the effect of sequence changes on RNA splicing suggest that this variant may disrupt the consensus splice site. ClinVar contains an entry for this variant (Variation ID: 1380172). This variant has not been reported in the literature in individuals affected with LAMP2-related conditions. This variant is not present in population databases (gnomAD no frequency). This sequence change falls in intron 7 of the LAMP2 gene. It does not directly change the encoded amino acid sequence of the LAMP2 protein. It affects a nucleotide within the consensus splice site.

Medical Genetics and Mitochondrial Research group, Latvian Biomedical Research and Study center
Classification: Pathogenic for Danon disease. Last evaluated: 2022-03-23. Review status: criteria provided, single submitter. Criteria: ACMG Guidelines, 2015. Collection method: research. Allele origin: maternal. Inheritance: X-linked recessive inheritance. Affected: yes. Observed: 2 variant alleles, 2 hemizygotes.
Comment: Absent from reference population databases. Causes skipping of exon seven. Patients exhibit phenotype consistent with Danon disease. Computational prediction of pathogenicity.

Blueprint Genetics
Classification: Uncertain significance. Last evaluated: 2020-08-05. Review status: criteria provided, single submitter. Criteria: ACMG Guidelines, 2015. Collection method: clinical testing. Allele origin: germline.

Literature cited by the submitters: PubMed 17576681 (cited by Labcorp Genetics (formerly Invitae), Labcorp); PubMed 9536098 (cited by Labcorp Genetics (formerly Invitae), Labcorp).

NM_002294.3(LAMP2):c.928+3A>G

Gene: LAMP2 (lysosome associated membrane protein 2; minus strand). Cytogenetic location: Xq24.
Variant type: single nucleotide variant.
Coding change: c.928+3A>G on transcript NM_002294.3 (MANE Select); 3 bases into the intron after coding-DNA position 928, A replaced by G.
Molecular consequence: intron variant.
Genome position (GRCh38, 1-based): chrX:120,442,596, T>C on the plus strand (A>G on the coding strand, the complement: LAMP2 is on the minus strand). VCF-style: chrX-120442596-T-C. GRCh37 (hg19) VCF-style: chrX-119576451-T-C.
Other names: c.928+3A>G (NM_001122606.1, NM_013995.2).
Identifiers: ClinVar variation 1380172 (VCV001380172.10), dbSNP rs2147279469, ClinGen allele CA2573159176.
Genomic context (GRCh38, chrX:120,442,596, plus strand): 5'-TTGTAATTTCTAATCCTTCAGGGTAATCCACAGTCTTTTTCCCCAGGCCAGTGCTTTGCT[T>C]ACCGGAGCCATTAACCAAATACATGCTGATGTTCACTTCCTTCAGATAAAATCGGTTTTC-3'